The following is an entry in ClinVar:

NM_001042681.2(RERE):c.3413A>G (p.Asp1138Gly)

Gene: RERE (arginine-glutamic acid dipeptide repeats; minus strand). Cytogenetic location: 1p36.23.
Variant type: single nucleotide variant.
Coding change: c.3413A>G on transcript NM_001042681.2 (MANE Select); coding-DNA position 3413, A replaced by G.
Protein change: p.Asp1138Gly; replaces aspartic acid 1138 with glycine.
Molecular consequence: missense variant.
Genome position (GRCh38, 1-based): chr1:8,359,969, T>C on the plus strand (A>G on the coding strand, the complement: RERE is on the minus strand). VCF-style: chr1-8359969-T-C. GRCh37 (hg19) VCF-style: chr1-8420029-T-C.
Other names: c.1751A>G, p.Asp584Gly (NM_001042682.2); c.3413A>G, p.Asp1138Gly (NM_012102.4); short protein forms D1138G, D584G.
Identifiers: ClinVar variation 5037574 (VCV005037574.1).

ClinVar aggregate classification (germline): Uncertain significance (1 of 4 stars; one submission).

Submission:

GeneDx
Classification: Uncertain significance. Last evaluated: 2026-04-22. Review status: criteria provided, single submitter. Criteria: GeneDx Variant Classification Process June 2021. Collection method: clinical testing. Allele origin: germline.
Comment: Not observed at significant frequency in large population cohorts (gnomAD); In silico analysis supports that this missense variant has a deleterious effect on protein structure/function; Has not been previously published as pathogenic or benign to our knowledge